The following is an entry in ClinVar:

ClinVar aggregate classification (germline): Benign. Review status: criteria provided, multiple submitters, no conflicts (2 of 4 stars). 3 submissions from 3 submitters: Benign (3). Last evaluated 2026-05-01.

Allele frequency attached by ClinVar (database versions not stated): 1000 Genomes Project 0.00359; 1000 Genomes Project 30x 0.00406; gnomAD 0.00765 and 0.00777; TOPMed 0.00840; ExAC 0.00877; gnomAD exomes 0.00933 and 0.00955; ESP Exome Variant Server 0.00942.
gnomAD v4.1: 15,055 of 1,612,860 alleles (0.93%); highest among the groups gnomAD compares: Middle Eastern, 3.6%; 137 homozygotes.

Submissions (3):

CeGaT Center for Human Genetics Tuebingen
Classification: Benign. Last evaluated: 2026-05-01. Review status: criteria provided, single submitter. Criteria: CeGaT Center For Human Genetics Tuebingen Variant Classification Criteria Version 2. Collection method: clinical testing. Allele origin: germline. Affected: yes. Observed: 2 variant alleles.
Comment: NEK10: BP4, BS1, BS2

Labcorp Genetics (formerly Invitae), Labcorp
Classification: Benign. Last evaluated: 2018-04-10. Review status: criteria provided, single submitter. Criteria: Invitae Variant Classification Sherloc (09022015). Collection method: clinical testing. Allele origin: germline.

Breakthrough Genomics
Classification: Benign. Review status: criteria provided, single submitter. Criteria: ACMG Guidelines, 2015. Collection method: not provided. Allele origin: germline. Inheritance: Autosomal recessive inheritance. Affected: yes.

NM_001394966.1(NEK10):c.1202A>G (p.Asn401Ser)

Gene: NEK10 (NIMA related kinase 10; minus strand). Cytogenetic location: 3p24.1.
Variant type: single nucleotide variant.
Coding change: c.1202A>G on transcript NM_001394966.1 (MANE Select); coding-DNA position 1202, A replaced by G.
Protein change: p.Asn401Ser; replaces asparagine 401 with serine.
Molecular consequence: missense variant.
Genome position (GRCh38, 1-based): chr3:27,297,207, T>C on the plus strand (A>G on the coding strand, the complement: NEK10 is on the minus strand). VCF-style: chr3-27297207-T-C. GRCh37 (hg19) VCF-style: chr3-27338698-T-C.
Other names: c.1202A>G, p.Asn401Ser (NM_001394963.1, NM_001394965.1, NM_001394968.1 and 4 more transcripts); c.1115A>G, p.Asn372Ser (NM_001394964.1, NM_001394967.1, NM_001394969.1); short protein forms N401S, N372S.
Identifiers: ClinVar variation 769270 (VCV000769270.17), dbSNP rs141057699, ClinGen allele CA2290957.